The following is an entry in ClinVar:

ClinVar aggregate classification (germline): Uncertain significance (1 of 4 stars; one submission).

Submission:

GeneDx
Classification: Uncertain significance. Last evaluated: 2023-09-06. Review status: criteria provided, single submitter. Criteria: GeneDx Variant Classification Process June 2021. Collection method: clinical testing. Allele origin: germline. Affected: yes.
Comment: In-frame deletion of 1 amino acid in a non-repeat region; In silico analysis supports that this variant does not alter protein structure/function; Has not been previously published as pathogenic or benign to our knowledge

NM_016333.4(SRRM2):c.1965_1967del (p.Gly656del)

Gene: SRRM2 (serine/arginine repetitive matrix 2; plus strand). Cytogenetic location: 16p13.3.
Variant type: Deletion.
Coding change: c.1965_1967del on transcript NM_016333.4 (MANE Select); coding-DNA positions 1965 to 1967, 3 bases deleted (TGG; older notation c.1965_1967delTGG).
Protein change: p.Gly656del; deletes glycine 656.
Molecular consequence: inframe deletion.
Genome position (GRCh38, 1-based): chr16:2,762,493-2,762,495, TGG deleted; deleting any 3 consecutive bases within chr16:2,762,492-2,762,495 gives the same sequence; the c. name uses the placement nearest the transcript's 3' end. VCF-style (leftmost placement, unchanged base first): chr16-2762491-CGTG-C. GRCh37 (hg19) VCF-style: chr16-2812492-CGTG-C.
Other names: short protein forms G656del.
Identifiers: ClinVar variation 2571925 (VCV002571925.3), dbSNP rs747231648, ClinGen allele CA7847435.